The following is an entry in ClinVar:

NM_006015.6(ARID1A):c.5818C>A (p.Pro1940Thr)

Gene: ARID1A (AT-rich interaction domain 1A; plus strand). Cytogenetic location: 1p36.11.
Variant type: single nucleotide variant.
Coding change: c.5818C>A on transcript NM_006015.6 (MANE Select); coding-DNA position 5818, C replaced by A.
Protein change: p.Pro1940Thr; replaces proline 1940 with threonine.
Molecular consequence: missense variant.
Genome position (GRCh38, 1-based): chr1:26,779,716, C>A. VCF-style: chr1-26779716-C-A. GRCh37 (hg19) VCF-style: chr1-27106207-C-A.
Other names: c.5167C>A, p.Pro1723Thr (NM_139135.4); short protein forms P1940T, P1723T.
Identifiers: ClinVar variation 2136211 (VCV002136211.1), dbSNP rs2124143087, ClinGen allele CA339188350.

ClinVar aggregate classification (germline): Uncertain significance (1 of 4 stars; one submission).

Submission:

GeneDx
Classification: Uncertain significance. Last evaluated: 2022-07-21. Review status: criteria provided, single submitter. Criteria: GeneDx Variant Classification Process June 2021. Collection method: clinical testing. Allele origin: germline. Affected: yes.
Comment: Not observed at significant frequency in large population cohorts (gnomAD); In silico analysis supports that this missense variant has a deleterious effect on protein structure/function; Has not been previously published as pathogenic or benign to our knowledge